The following is an entry in ClinVar:

NM_001267550.2(TTN):c.75669_75670del (p.Leu25224fs)

Genes: TTN (titin; minus strand), TTN-AS1 (TTN antisense RNA 1; plus strand). Cytogenetic location: 2q31.2.
Variant type: Microsatellite.
Coding change: c.75669_75670del on transcript NM_001267550.2 (MANE Select); coding-DNA positions 75669 to 75670, 2 bases deleted (AC; older notation c.75669_75670delAC).
Protein change: p.Leu25224fs; shifts the reading frame from leucine 25224.
Molecular consequence: frameshift variant.
Genome position (GRCh38, 1-based): chr2:178,570,462-178,570,463, GT deleted on the plus strand (AC on the coding strand, the reverse complement: TTN is on the minus strand); deleting any 2 consecutive bases within chr2:178,570,462-178,570,466 gives the same sequence; the c. name uses the placement nearest the transcript's 3' end. VCF-style (leftmost placement, unchanged base first): chr2-178570461-AGT-A. GRCh37 (hg19) VCF-style: chr2-179435188-AGT-A.
Other names: c.70746_70747del, p.Leu23583fs (NM_001256850.1); c.48474_48475del, p.Leu16159fs (NM_003319.4); c.67965_67966del, p.Leu22656fs (NM_133378.4); c.48849_48850del, p.Leu16284fs (NM_133432.3); c.49050_49051del, p.Leu16351fs (NM_133437.4); c.48474_48475delAC (NM_003319.4); short protein forms L16159fs, L16284fs, L16351fs, L22656fs, L23583fs, L25224fs.
Identifiers: ClinVar variation 3223284 (VCV003223284.1), dbSNP rs2468451818, ClinGen allele CA2825001010.

ClinVar aggregate classification (germline): Likely pathogenic (1 of 4 stars; one submission).

Conditions:
Cardiovascular phenotype. Identifiers: MedGen CN230736.

Submission:

Ambry Genetics
Classification: Likely pathogenic for Cardiovascular phenotype. Last evaluated: 2024-02-29. Review status: criteria provided, single submitter. Criteria: Ambry Variant Classification Scheme 2023. Collection method: clinical testing. Allele origin: germline.
Comment: The c.48474_48475delAC variant, located in coding exon 153 of the TTN gene, results from a deletion of two nucleotides at nucleotide positions 48474 to 48475, causing a translational frameshift with a predicted alternate stop codon (p.L16159Sfs*12). This exon is located in the A-band region of the N2-B isoform of the titin protein and is constitutively expressed in TTN transcripts (percent spliced in or PSI 100%). This variant is considered to be rare based on population cohorts in the Genome Aggregation Database (gnomAD). This alteration is expected to result in loss of function by premature protein truncation or nonsense-mediated mRNA decay. While truncating variants in TTN are present in 1-3% of the general population, truncating variants in the A-band are the most common cause of dilated cardiomyopathy (DCM) (Herman DS et al. N. Engl. J. Med., 2012 Feb;366:619-28; Roberts AM et al. Sci Transl Med, 2015 Jan;7:270ra6). TTN truncating variants encoded in constitutive exons (PSI >90%) have been found to be significantly associated with DCM regardless of their position in titin (Schafer S et al. Nat. Genet., 2017 01;49:46-53). Based on the majority of available evidence to date, this variant is likely to be pathogenic.